The following is an entry in ClinVar:

NM_001195263.2(PDZD7):c.563G>A (p.Arg188His)

Gene: PDZD7 (PDZ domain containing 7; minus strand). Cytogenetic location: 10q24.31.
Variant type: single nucleotide variant.
Coding change: c.563G>A on transcript NM_001195263.2 (MANE Select); coding-DNA position 563, G replaced by A.
Protein change: p.Arg188His; replaces arginine 188 with histidine.
Molecular consequence: missense variant.
Genome position (GRCh38, 1-based): chr10:101,022,365, C>T on the plus strand (G>A on the coding strand, the complement: PDZD7 is on the minus strand). VCF-style: chr10-101022365-C-T. GRCh37 (hg19) VCF-style: chr10-102782122-C-T.
Other names: c.563G>A, p.Arg188His (NM_001351044.2, NM_024895.5); short protein forms R188H.
Identifiers: ClinVar variation 1303123 (VCV001303123.12), dbSNP rs781129674, ClinGen allele CA5654330.

ClinVar aggregate classification (germline): Uncertain significance. Review status: criteria provided, multiple submitters, no conflicts (2 of 4 stars). 6 submissions from 6 submitters: Uncertain significance (6). Last evaluated 2026-03-10.

Conditions:
PDZD7-related disorder. Also called: PDZD7-related condition; PDZD7-related disorders.
Inborn genetic diseases. Identifiers: MedGen C0950123, MeSH D030342.

Allele frequency attached by ClinVar (database versions not stated): ExAC 0.00001; gnomAD 0.00001; gnomAD exomes 0.00001; TOPMed 0.00002.

Submissions (6):

Women's Health and Genetics/Laboratory Corporation of America, LabCorp
Classification: Uncertain significance. Last evaluated: 2026-03-10. Review status: criteria provided, single submitter. Criteria: LabCorp Variant Classification Summary - May 2015. Collection method: clinical testing. Allele origin: germline.
Comment: Variant summary: PDZD7 c.563G>A (p.Arg188His) results in a non-conservative amino acid change in the encoded protein sequence. Algorithms developed to predict the effect of missense changes on protein structure and function are either unavailable or do not agree on the potential impact of this missense change. The variant allele was found at a frequency of 8e-06 in 251390 control chromosomes. The available data on variant occurrences in the general population are insufficient to allow any conclusion about variant significance. To our knowledge, no occurrence of c.563G>A in individuals affected with PDZD7-related conditions and no experimental evidence demonstrating its impact on protein function have been reported. ClinVar contains an entry for this variant (Variation ID: 1303123). Based on the evidence outlined above, the variant was classified as uncertain significance.

GeneDx
Classification: Uncertain significance. Last evaluated: 2025-02-03. Review status: criteria provided, single submitter. Criteria: GeneDx Variant Classification Process June 2021. Collection method: clinical testing. Allele origin: germline. Affected: yes.
Comment: Not observed at significant frequency in large population cohorts (gnomAD); In silico analysis supports that this missense variant has a deleterious effect on protein structure/function; Has not been previously published as pathogenic or benign to our knowledge

PreventionGenetics, part of Exact Sciences
Classification: Uncertain significance for PDZD7-related condition. Last evaluated: 2024-10-28. Review status: criteria provided, single submitter. Criteria: ACMG Guidelines, 2015. Collection method: clinical testing. Allele origin: germline.
Comment: The PDZD7 c.563G>A variant is predicted to result in the amino acid substitution p.Arg188His. To our knowledge, this variant has not been reported in the literature. This variant is reported in 0.0023% of alleles in individuals of European (Non-Finnish) descent in gnomAD. At this time, the clinical significance of this variant is uncertain due to the absence of conclusive functional and genetic evidence.

Labcorp Genetics (formerly Invitae), Labcorp
Classification: Uncertain significance. Last evaluated: 2024-10-16. Review status: criteria provided, single submitter. Criteria: Invitae Variant Classification Sherloc (09022015). Collection method: clinical testing. Allele origin: germline.
Comment: This sequence change replaces arginine, which is basic and polar, with histidine, which is basic and polar, at codon 188 of the PDZD7 protein (p.Arg188His). The frequency data for this variant in the population databases is considered unreliable, as metrics indicate poor data quality at this position in the gnomAD database. This variant has not been reported in the literature in individuals affected with PDZD7-related conditions. ClinVar contains an entry for this variant (Variation ID: 1303123). Invitae Evidence Modeling of protein sequence and biophysical properties (such as structural, functional, and spatial information, amino acid conservation, physicochemical variation, residue mobility, and thermodynamic stability) indicates that this missense variant is not expected to disrupt PDZD7 protein function with a negative predictive value of 80%. In summary, the available evidence is currently insufficient to determine the role of this variant in disease. Therefore, it has been classified as a Variant of Uncertain Significance.

Ambry Genetics
Classification: Uncertain significance for Inborn genetic diseases. Last evaluated: 2024-01-08. Review status: criteria provided, single submitter. Criteria: Ambry Variant Classification Scheme 2023. Collection method: clinical testing. Allele origin: germline.

Blueprint Genetics
Classification: Uncertain significance. Last evaluated: 2022-02-15. Review status: criteria provided, single submitter. Criteria: ACMG Guidelines, 2015. Collection method: clinical testing. Allele origin: germline.